The following is an entry in ClinVar:

NM_001482.3(GATM):c.-44A>G

Genes: GATM (glycine amidinotransferase; minus strand), LOC130056991 (ATAC-STARR-seq lymphoblastoid silent region 6406; plus strand). Cytogenetic location: 15q21.1.
Variant type: single nucleotide variant.
Coding change: c.-44A>G on transcript NM_001482.3 (MANE Select); 44 bases upstream of the start codon, A replaced by G.
Molecular consequence: 5 prime UTR variant. On other transcripts: intron variant (1).
Genome position (GRCh38, 1-based): chr15:45,378,497, T>C on the plus strand (A>G on the coding strand, the complement: GATM is on the minus strand). VCF-style: chr15-45378497-T-C. GRCh37 (hg19) VCF-style: chr15-45670695-T-C.
Other names: c.-318-1678A>G (NM_001321015.2).
Identifiers: ClinVar variation 508929 (VCV000508929.1), dbSNP rs534052046, ClinGen allele CA7543033.

ClinVar aggregate classification (germline): Likely benign (1 of 4 stars; one submission).

Allele frequency attached by ClinVar (database versions not stated): ExAC below 0.00001; gnomAD 0.00010 and 0.00011; TOPMed 0.00010; gnomAD exomes 0.00012.
gnomAD v4.1: 167 of 1,320,508 alleles (0.013%); highest among the groups gnomAD compares: Non-Finnish European, 0.015%; no homozygotes.

Submission:

GeneDx
Classification: Likely benign. Last evaluated: 2017-12-05. Review status: criteria provided, single submitter. Criteria: GeneDx Variant Classification (06012015). Collection method: clinical testing. Allele origin: germline. Affected: yes.
Comment: This variant is considered likely benign or benign based on one or more of the following criteria: it is a conservative change, it occurs at a poorly conserved position in the protein, it is predicted to be benign by multiple in silico algorithms, and/or has population frequency not consistent with disease.